The following is an entry in ClinVar:

ClinVar aggregate classification (germline): Pathogenic (1 of 4 stars; one submission).

Conditions:
Breast-ovarian cancer, familial, susceptibility to, 1 (BROVCA1). Also called: OVARIAN CANCER, SUSCEPTIBILITY TO; BRCA1 Hereditary Breast and Ovarian Cancer. Identifiers: Orphanet 145, MedGen C2676676, MONDO:0011450, OMIM 604370. Disease mechanism: loss of function.

Submission:

MGZ Medical Genetics Center
Classification: Pathogenic for Breast-ovarian cancer, familial, susceptibility to, 1. Last evaluated: 2021-09-03. Review status: criteria provided, single submitter. Criteria: ACMG Guidelines, 2015. Collection method: clinical testing. Allele origin: germline. Affected: yes. Observed: 1 variant allele.
Comment: ACMG criteria applied: PVS1, PM2_SUP, PP4

NM_007294.4(BRCA1):c.543del (p.Glu181fs)

Gene: BRCA1 (BRCA1 DNA repair associated; minus strand). Cytogenetic location: 17q21.31.
Variant type: Deletion.
Coding change: c.543del on transcript NM_007294.4 (MANE Select); coding-DNA position 543, one base deleted (A; older notation c.543delA).
Protein change: p.Glu181fs; shifts the reading frame from glutamic acid 181.
Molecular consequence: frameshift variant. On other transcripts: non-coding transcript variant (1).
Genome position (GRCh38, 1-based): chr17:43,099,779, T deleted on the plus strand (A on the coding strand, the reverse complement: BRCA1 is on the minus strand); the first of 2 consecutive T bases (chr17:43,099,779-43,099,780); deleting either gives the same sequence. VCF-style (leftmost placement, unchanged base first): chr17-43099778-AT-A. GRCh37 (hg19) VCF-style: chr17-41251795-AT-A.
Other names: c.461delA, p.Glu154Aspfs (NM_001407874.1, NM_001407875.1, NM_001408413.1 and 6 more transcripts); c.332delA, p.Glu111Aspfs (NM_001407879.1, NM_001407881.1, NM_001407882.1 and 37 more transcripts); c.329delA, p.Glu110Aspfs (NM_001407894.1, NM_001407895.1, NM_001407896.1 and 18 more transcripts); c.542delA, p.Glu181Aspfs (NM_001407919.1, NM_001407937.1, NM_001407938.1 and 95 more transcripts); c.401delA, p.Glu134Aspfs (NM_001407920.1, NM_001407921.1, NM_001407922.1 and 60 more transcripts); c.398delA, p.Glu133Aspfs (NM_001407930.1, NM_001407931.1, NM_001407932.1 and 35 more transcripts); c.539delA, p.Glu180Aspfs (NM_001407940.1, NM_001407941.1, NM_001407972.1 and 65 more transcripts); c.161delA, p.Glu54Aspfs (NM_001407959.1, NM_001407960.1, NM_001407963.1 and 3 more transcripts); and 6 more; short protein forms E134fs, E181fs.
Identifiers: ClinVar variation 1709944 (VCV001709944.2), dbSNP rs2552238958, ClinGen allele CA2580094152.